The following is an entry in ClinVar:

NM_016239.4(MYO15A):c.1185dup (p.Glu396fs)

Gene: MYO15A (myosin XVA; plus strand). Cytogenetic location: 17p11.2.
Variant type: Duplication.
Coding change: c.1185dup on transcript NM_016239.4 (MANE Select); coding-DNA position 1185, one base duplicated (C; older notation c.1185dupC).
Protein change: p.Glu396fs; shifts the reading frame from glutamic acid 396.
Genome position (GRCh38, 1-based): chr17:18,119,985, C duplicated; the last of 7 consecutive C bases (chr17:18,119,979-18,119,985); duplicating any one gives the same sequence. VCF-style (leftmost placement, unchanged base first): chr17-18119978-A-AC. GRCh37 (hg19) VCF-style: chr17-18023292-A-AC.
Other names: p.Glu396ArgfsX36; c.1185_1186insC (NM_016239.3); c.1179dupC (NM_016239.4); c.1185dup (NM_016239.3); c.1185dupC (NM_016239.3); short protein forms E396fs.
Identifiers: ClinVar variation 228372 (VCV000228372.48), dbSNP rs772536599, ClinGen allele CA8423043.

ClinVar aggregate classification (germline): Pathogenic. Review status: criteria provided, multiple submitters, no conflicts (2 of 4 stars). 12 submissions from 12 submitters: Pathogenic (11). 1 of the submissions does not count toward it. Last evaluated 2026-06-15.

Conditions:
MYO15A-related disorder. Also called: MYO15A-related condition.
Rare genetic deafness. Identifiers: Orphanet 96210, MedGen C5680250.
Autosomal recessive nonsyndromic hearing loss 3. Also called: NEUROSENSORY NONSYNDROMIC RECESSIVE DEAFNESS 3. Identifiers: Orphanet 90636, MedGen C1838263, MONDO:0010860, OMIM 600316.

Submissions (12):

Rare Disease Center, Seoul National University Hospital
Classification: Pathogenic for Autosomal recessive nonsyndromic hearing loss 3. Last evaluated: 2026-06-15. Review status: criteria provided, single submitter. Criteria: ACMG Guidelines, 2015. Collection method: research. Allele origin: maternal. Inheritance: Autosomal recessive inheritance.
Comment: A frameshift null variant in the MYO15A gene is predicted to result in nonsense-mediated mRNA decay (NMD), matching the established disease mechanism of loss-of-function (PVS1). This variant is classified as Pathogenic in ClinVar (PP5). Furthermore, for this autosomal recessive (AR) gene, the gnomAD genomes homozygous allele count is 0 (fewer than 2) with adequate coverage (32.3), and the gnomAD exomes homozygous allele count is also 0 (fewer than 2) with adequate coverage (71.8), satisfying PM2.

This variant is found as compound heterozygote with the variant submitted on row 12.

CeGaT Center for Human Genetics Tuebingen
Classification: Pathogenic. Last evaluated: 2025-09-01. Review status: criteria provided, single submitter. Criteria: CeGaT Center For Human Genetics Tuebingen Variant Classification Criteria Version 2. Collection method: clinical testing. Allele origin: germline. Affected: yes. Observed: 2 variant alleles.
Comment: MYO15A: PM3:Very Strong, PVS1, PM2

Clinical Genomics, G42 Labs
Classification: Pathogenic for Autosomal recessive nonsyndromic hearing loss 3. Last evaluated: 2025-02-26. Review status: criteria provided, single submitter. Criteria: ACMG Guidelines, 2015. Collection method: clinical testing. Allele origin: germline. Inheritance: Autosomal recessive inheritance. Affected: yes. Observed: 1 variant allele.
Comment: The c.1185dup, p.(Glu396fs*36) is a frameshift variant in the MYO15A gene, thereby leading to premature truncation of the protein at 36 amino acids downstream to codon 396. Allele frequency of this variant in gnomAD population database is 0.003% (4/150872 alleles, no homozygotes). Six clinical laboratories have classified this variant as pathogenic (Variation ID: VCV000228372.35). This premature translational stop signal has been observed in individual(s) with nonsyndromic deafness (PMID: 22245518, 31827275). Based on the above reasons, this variant is classified as pathogenic. ACMG Criteria: PVS1, PM2, PP5 - Pathogenic

Blueprint Genetics
Classification: Pathogenic for MYO15A-related disorders. Last evaluated: 2024-10-23. Review status: criteria provided, single submitter. Criteria: ACMG Guidelines, 2015. Collection method: clinical testing. Allele origin: germline. Affected: yes. Observed: 5 variant alleles.

Labcorp Genetics (formerly Invitae), Labcorp
Classification: Pathogenic. Last evaluated: 2024-02-17. Review status: criteria provided, single submitter. Criteria: Invitae Variant Classification Sherloc (09022015). Collection method: clinical testing. Allele origin: germline.
Comment: This sequence change creates a premature translational stop signal (p.Glu396Argfs*36) in the MYO15A gene. It is expected to result in an absent or disrupted protein product. Loss-of-function variants in MYO15A are known to be pathogenic (PMID: 17546645). This variant is present in population databases (rs746288259, gnomAD 0.03%). This premature translational stop signal has been observed in individual(s) with nonsyndromic deafness (PMID: 22245518, 31827275). It has also been observed to segregate with disease in related individuals. ClinVar contains an entry for this variant (Variation ID: 228372). For these reasons, this variant has been classified as Pathogenic.

GeneDx
Classification: Pathogenic. Last evaluated: 2023-08-23. Review status: criteria provided, single submitter. Criteria: GeneDx Variant Classification Process June 2021. Collection method: clinical testing. Allele origin: germline. Affected: yes.
Comment: Frameshift variant predicted to result in protein truncation or nonsense mediated decay in a gene for which loss of function is a known mechanism of disease; This variant is associated with the following publications: (PMID: 31589614, 37734845, 31827275, 33784549, 22245518, 35346193, 35248088)

3billion
Classification: Pathogenic for Autosomal recessive nonsyndromic hearing loss 3. Last evaluated: 2022-05-22. Review status: criteria provided, single submitter. Criteria: ACMG Guidelines, 2015. Collection method: clinical testing. Allele origin: germline. Affected: yes. Observed: 1 heterozygote.
Comment: The variant is observed at an extremely low frequency in the gnomAD v2.1.1 dataset (total allele frequency: 0.006%). Frameshift: predicted to result in a loss or disruption of normal protein function through nonsense-mediated decay (NMD) or protein truncation. Multiple pathogenic variants are reported downstream of the variant. The variant has been reported at least twice as pathogenic without evidence for the classification (ClinVar ID: VCV000228372 / PMID: 22245518 / 3billion dataset). Therefore, this variant is classified as pathogenic according to the recommendation of ACMG/AMP guideline.

Victorian Clinical Genetics Services, Murdoch Childrens Research Institute
Classification: Pathogenic for Autosomal recessive nonsyndromic hearing loss 3. Last evaluated: 2018-07-31. Review status: criteria provided, single submitter. Criteria: ACMG Guidelines, 2015. Collection method: clinical testing. Allele origin: unknown. Affected: yes.
Comment: A heterozygous frameshift duplication variant, NM_016239.3(MYO15A):c.1185dupC, has been identified in exon 2 of 66 of the MYO15A gene. This duplication is predicted to create a frameshift starting at amino acid position 396, introducing a stop codon 36 residues downstream (NP_057323.3(MYO15A):p.(Glu396Argfs*36)). This variant is predicted to result in loss of protein function either through truncation (including the loss of multiple domains) or nonsense-mediated decay, which is a reported mechanism of pathogenicity for this gene. The variant is present in the gnomAD database at a frequency of 0.0047% (13 heterozygotes and 0 homozygotes). It has been previously described as pathogenic and segregated with disease in two families (Bashir R. et al. (2012), Miyagawa M. et al. (2015)). Based on the information available at the time of curation, this variant has been classified as PATHOGENIC.

Laboratory for Molecular Medicine, Mass General Brigham Personalized Medicine
Classification: Pathogenic for Rare genetic deafness. Last evaluated: 2016-06-30. Review status: criteria provided, single submitter. Criteria: LMM Criteria. Collection method: clinical testing. Allele origin: germline. Observed: 2 variant alleles.
Comment: The p.Glu396fs variant in MYO15A has been previously reported in two individuals with hearing loss including one homozygote state and segregated with disease in 2 affected siblings (Bashir 2012, LMM data). This variant is predicted to cause a frameshift, which alters the protein?s amino acid sequence beginning at posit ion 396 and leads to a premature termination codon 36 amino acids downstream. Th is alteration is then predicted to lead to a truncated or absent protein. In sum mary, this variant meets our criteria to be classified as pathogenic for hearing loss in an autosomal recessive manner based on the predicted impact of the vari ant and segregation evidence.

Juno Genomics, Hangzhou Juno Genomics, Inc
Classification: Pathogenic for Autosomal recessive nonsyndromic hearing loss 3. Review status: criteria provided, single submitter. Criteria: ACMG Guidelines, 2015. Collection method: clinical testing. Allele origin: germline.
Comment: Null variant in a gene where loss of function (LOF) is a known mechanism of disease.;For recessive disorders, detected in trans with a pathogenic variant.

Molecular Diagnosis Center for Deafness
Classification: Pathogenic for Autosomal recessive nonsyndromic hearing loss 3. Review status: criteria provided, single submitter. Criteria: ClinGen HL ACMG Specifications v1. Collection method: clinical testing. Allele origin: maternal. Observed: 2 variant alleles.

Laboratory of Molecular Genetics, Brain Korea 21 PLUS Project for Medical Sciences, Yonsei University College of Medicine
Classification: Pathogenic for Autosomal recessive nonsyndromic hearing loss 3. Last evaluated: 2019-08-28. Review status: no assertion criteria provided. Collection method: research. Allele origin: germline. Inheritance: Autosomal recessive inheritance. Affected: yes. Not counted in ClinVar's aggregate classification.

Literature cited by the submitters: PubMed 22245518 (cited by 4 submitters); PubMed 31827275 (cited by Clinical Genomics, G42 Labs and Labcorp Genetics (formerly Invitae), Labcorp); PubMed 17546645 (cited by Labcorp Genetics (formerly Invitae), Labcorp).